The following is an entry in ClinVar:

ClinVar aggregate classification (germline): Uncertain significance (1 of 4 stars; one submission).

Conditions:
Hereditary cancer-predisposing syndrome. Also called: Tumor predisposition; Neoplastic Syndromes, Hereditary; Hereditary Cancer Syndrome; Hereditary neoplastic syndrome. Identifiers: Orphanet 140162, MedGen C0027672, MeSH D009386, MONDO:0015356.

Submission:

Ambry Genetics
Classification: Uncertain significance for Hereditary cancer-predisposing syndrome. Last evaluated: 2025-01-27. Review status: criteria provided, single submitter. Criteria: Ambry Variant Classification Scheme 2023. Collection method: clinical testing. Allele origin: germline.
Comment: The p.N244H variant (also known as c.730A>C), located in coding exon 3 of the MEN1 gene, results from an A to C substitution at nucleotide position 730. The asparagine at codon 244 is replaced by histidine, an amino acid with similar properties. This amino acid position is conserved. In addition, this alteration is predicted to be deleterious by in silico analysis. Based on the available evidence, the clinical significance of this variant remains unclear.

NM_001370259.2(MEN1):c.730A>C (p.Asn244His)

Gene: MEN1 (menin 1; minus strand). Cytogenetic location: 11q13.1.
Variant type: single nucleotide variant.
Coding change: c.730A>C on transcript NM_001370259.2 (MANE Select); coding-DNA position 730, A replaced by C.
Protein change: p.Asn244His; replaces asparagine 244 with histidine.
Molecular consequence: missense variant. On other transcripts: non-coding transcript variant (4).
Genome position (GRCh38, 1-based): chr11:64,807,605, T>G on the plus strand (A>C on the coding strand, the complement: MEN1 is on the minus strand). VCF-style: chr11-64807605-T-G. GRCh37 (hg19) VCF-style: chr11-64575077-T-G.
Other names: c.745A>C, p.Asn249His (NM_000244.4, NM_001407145.1, NM_001407150.1 and 5 more transcripts); c.730A>C, p.Asn244His (NM_001370251.2, NM_001370260.2, NM_001370261.2 and 7 more transcripts); c.625A>C, p.Asn209His (NM_001370262.2, NM_001370263.2, NM_001407148.1 and 2 more transcripts); short protein forms N249H, N209H, N244H.
Identifiers: ClinVar variation 3872250 (VCV003872250.1).